The following is an entry in ClinVar:

ClinVar aggregate classification (germline): Pathogenic (1 of 4 stars; one submission).

Submission:

GeneDx
Classification: Pathogenic. Last evaluated: 2025-07-02. Review status: criteria provided, single submitter. Criteria: GeneDx Variant Classification Process June 2021. Collection method: clinical testing. Allele origin: germline. Affected: yes.
Comment: Located in the critical T-loop, known to be intolerant to change (PMID: 38991538); Located at a position that is conserved across species; No data available from control populations to assess the frequency of this variant; Also known as n.68_69ins; This variant is associated with the following publications: (PMID: 38991538, Goh2025[CaseReport], 38821540)

NR_003137.3(RNU4-2):n.68dup

Genes: RNU4-2 (RNA, U4 small nuclear 2; minus strand), SIRT4 (sirtuin 4; plus strand). Cytogenetic location: 12q24.23.
Variant type: Duplication.
Molecular consequence: non-coding transcript variant (on NR_003137.3).
Genome position: GRCh38 VCF-style: chr12-120291835-G-GT. GRCh37 (hg19) VCF-style: chr12-120729638-G-GT.
Identifiers: ClinVar variation 4292596 (VCV004292596.1).